The following is an entry in ClinVar:

NM_003640.5(ELP1):c.3730T>G (p.Phe1244Val)

Gene: ELP1 (elongator acetyltransferase complex subunit 1; minus strand). Cytogenetic location: 9q31.3.
Variant type: single nucleotide variant.
Coding change: c.3730T>G on transcript NM_003640.5 (MANE Select); coding-DNA position 3730, T replaced by G.
Protein change: p.Phe1244Val; replaces phenylalanine 1244 with valine.
Molecular consequence: missense variant.
Genome position (GRCh38, 1-based): chr9:108,878,120, A>C on the plus strand (T>G on the coding strand, the complement: ELP1 is on the minus strand). VCF-style: chr9-108878120-A-C. GRCh37 (hg19) VCF-style: chr9-111640400-A-C.
Other names: c.3730T>G (LRG_251t1); c.3388T>G, p.Phe1130Val (NM_001318360.2); c.2683T>G, p.Phe895Val (NM_001330749.2); short protein forms F1244V, F895V, F1130V.
Identifiers: ClinVar variation 242316 (VCV000242316.5), dbSNP rs756928248, ClinGen allele CA5174199.

ClinVar aggregate classification (germline): Uncertain significance. Review status: criteria provided, multiple submitters, no conflicts (2 of 4 stars). 3 submissions from 3 submitters: Uncertain significance (2). 1 of the submissions does not count toward it. Last evaluated 2019-09-27.

Conditions:
Familial dysautonomia. Also called: FD; HSAN III. Identifiers: Orphanet 1764, MedGen C0013364, MONDO:0009131, OMIM 223900. Disease mechanism: loss of function.

Allele frequency attached by ClinVar (database versions not stated): ExAC 0.00001; gnomAD 0.00001; gnomAD exomes 0.00001; TOPMed 0.00001.
gnomAD v4.1: 10 of 1,611,116 alleles (0.00062%); highest among the groups gnomAD compares: Non-Finnish European, 0.00085%; no homozygotes.

Submissions (3):

Ambry Genetics
Classification: Uncertain significance. Last evaluated: 2019-09-27. Review status: criteria provided, single submitter. Criteria: Ambry Variant Classification Scheme 2023. Collection method: clinical testing. Allele origin: germline.
Comment: The p.F1244V variant (also known as c.3730T>G), located in coding exon 34 of the IKBKAP gene, results from a T to G substitution at nucleotide position 3730. The phenylalanine at codon 1244 is replaced by valine, an amino acid with highly similar properties. This amino acid position is well conserved in available vertebrate species. In addition, this alteration is predicted to be tolerated by in silico analysis. Since supporting evidence is limited at this time, the clinical significance of this alteration remains unclear.

GeneDx
Classification: Uncertain significance. Last evaluated: 2016-04-01. Review status: criteria provided, single submitter. Criteria: GeneDx Variant Classification (06012015). Collection method: clinical testing. Allele origin: germline. Affected: yes.
Comment: The F1244V variant has not been published as a pathogenic variant, nor has it been reported as a benign variant to our knowledge. It was not observed in approximately 6,500 individuals of European and African American ancestry in the NHLBI Exome Sequencing Project, indicating it is not a common benign variant in these populations. The F1244V variant is a semi-conservative amino acid substitution, which may impact secondary protein structure as these residues differ in some properties. However, this substitution occurs at a position where amino acids with similar properties to Phenylalanine are tolerated across species. In silico analysis is inconsistent in its predictions as to whether or not the variant is damaging to the protein structure/function. Therefore, based on the currently available information, it is unclear whether this variant is a pathogenic variant or a rare benign variant.

Natera, Inc.
Classification: Uncertain significance for Familial dysautonomia. Last evaluated: 2020-02-09. Review status: no assertion criteria provided. Collection method: clinical testing. Allele origin: germline. Not counted in ClinVar's aggregate classification.